The following is an entry in ClinVar:

NM_021619.3(PRDM12):c.401A>G (p.Asn134Ser)

Genes: PRDM12 (PR/SET domain 12; plus strand), LOC126860775 (CDK7 strongly-dependent group 2 enhancer GRCh37_chr9:133541982-133543181; plus strand). Cytogenetic location: 9q34.12.
Variant type: single nucleotide variant.
Coding change: c.401A>G on transcript NM_021619.3 (MANE Select); coding-DNA position 401, A replaced by G.
Protein change: p.Asn134Ser; replaces asparagine 134 with serine.
Molecular consequence: missense variant.
Genome position (GRCh38, 1-based): chr9:130,666,785, A>G. VCF-style: chr9-130666785-A-G. GRCh37 (hg19) VCF-style: chr9-133542172-A-G.
Other names: c.401A>G (NM_021619.2); short protein forms N134S.
Identifiers: ClinVar variation 1477841 (VCV001477841.7), dbSNP rs374410529, ClinGen allele CA5284513.

ClinVar aggregate classification (germline): Uncertain significance. Review status: criteria provided, multiple submitters, no conflicts (2 of 4 stars). 3 submissions from 3 submitters: Uncertain significance (3). Last evaluated 2025-09-09.

Conditions:
Inborn genetic diseases. Identifiers: MedGen C0950123, MeSH D030342.
Congenital insensitivity to pain-hypohidrosis syndrome. Also called: HSAN VIII; Neuropathy, hereditary sensory and autonomic, type VIII. Identifiers: Orphanet 478664, MedGen C4225308, MONDO:0014662, OMIM 616488.

Allele frequency attached by ClinVar (database versions not stated): gnomAD exomes 0.00003 and 0.00004; ExAC 0.00004; gnomAD 0.00005 and 0.00006; ESP Exome Variant Server 0.00008; TOPMed 0.00002.
gnomAD v4.1: 70 of 1,609,282 alleles (0.0043%); highest among the groups gnomAD compares: Non-Finnish European, 0.0054%; no homozygotes.

Submissions (3):

Ambry Genetics
Classification: Uncertain significance for Inborn genetic diseases. Last evaluated: 2025-09-09. Review status: criteria provided, single submitter. Criteria: Ambry Variant Classification Scheme 2023. Collection method: clinical testing. Allele origin: germline.

GeneDx
Classification: Uncertain significance. Last evaluated: 2025-01-06. Review status: criteria provided, single submitter. Criteria: GeneDx Variant Classification Process June 2021. Collection method: clinical testing. Allele origin: germline. Affected: yes.
Comment: Not observed at significant frequency in large population cohorts (gnomAD); In silico analysis indicates that this missense variant does not alter protein structure/function; Has not been previously published as pathogenic or benign to our knowledge

Labcorp Genetics (formerly Invitae), Labcorp
Classification: Uncertain significance for Congenital insensitivity to pain-hypohidrosis syndrome. Last evaluated: 2022-07-26. Review status: criteria provided, single submitter. Criteria: Invitae Variant Classification Sherloc (09022015). Collection method: clinical testing. Allele origin: germline.
Comment: This sequence change replaces asparagine, which is neutral and polar, with serine, which is neutral and polar, at codon 134 of the PRDM12 protein (p.Asn134Ser). This variant is present in population databases (rs374410529, gnomAD 0.005%). This variant has not been reported in the literature in individuals affected with PRDM12-related conditions. ClinVar contains an entry for this variant (Variation ID: 1477841). Algorithms developed to predict the effect of missense changes on protein structure and function are either unavailable or do not agree on the potential impact of this missense change (SIFT: "Deleterious"; PolyPhen-2: "Possibly Damaging"; Align-GVGD: "Class C0"). In summary, the available evidence is currently insufficient to determine the role of this variant in disease. Therefore, it has been classified as a Variant of Uncertain Significance.